The following is an entry in ClinVar:

ClinVar aggregate classification (germline): Benign. Review status: criteria provided, multiple submitters, no conflicts (2 of 4 stars). 7 submissions from 7 submitters: Benign (7). Last evaluated 2026-08-04.

Conditions:
Hereditary cancer-predisposing syndrome. Also called: Neoplastic Syndromes, Hereditary; Tumor predisposition; Hereditary Cancer Syndrome; Hereditary neoplastic syndrome. Identifiers: Orphanet 140162, MedGen C0027672, MeSH D009386, MONDO:0015356.
Familial colorectal cancer type X. Identifiers: Orphanet 440437, MedGen C3896578, MONDO:0018604.

Allele frequency attached by ClinVar (database versions not stated): gnomAD exomes 0.00785 and 0.00409; ESP Exome Variant Server 0.02124; 1000 Genomes Project 0.02875; ExAC 0.01221; 1000 Genomes Project 30x 0.02951; gnomAD 0.01959 and 0.02024; TOPMed 0.02214.
gnomAD v4.1: 8,645 of 1,495,880 alleles (0.58%); highest among the groups gnomAD compares: African/African-American, 6.2%; 178 homozygotes.

Submissions (7):

Myriad Genetics, Inc.
Classification: Benign for Familial colorectal cancer type X. Last evaluated: 2026-08-04. Review status: criteria provided, single submitter. Criteria: Myriad Autosomal Dominant, Autosomal Recessive and X-Linked Classification Criteria (2023). Collection method: clinical testing. Allele origin: unknown.
Comment: This variant is considered benign. This variant has been observed at a population frequency that is significantly greater than expected given the associated disease prevalence and penetrance.

Institute for Biomarker Research, Medical Diagnostic Laboratories, L.L.C.
Classification: Benign for Hereditary cancer-predisposing syndrome. Last evaluated: 2025-12-08. Review status: criteria provided, single submitter. Criteria: ACMG Guidelines, 2015. Collection method: clinical testing. Allele origin: germline.
Comment: The missense variant NM_001146227.3(RPS20):c.343T>C (p.Ser115Pro) has been reported to ClinVar as Benign with a status of (2 stars) criteria provided, multiple submitters, no conflicts (Accession: VCV001232012.13). There is a moderate physicochemical difference between serine and proline. The gene RPS20 has a low rate of benign missense variation as indicated by a high missense variants Z-Score of 2.01. The p.Ser115Pro variant is not predicted to disrupt the existing acceptor splice site 10bp upstream by any splice site algorithm. The nucleotide c.343 in RPS20 is not conserved according to a GERP++ and PhyloP analysis of 100 vertebrates. For these reasons, this variant has been classified as Benign.

Center for Genomic Medicine, Rigshospitalet, Copenhagen University Hospital
Classification: Benign. Last evaluated: 2025-03-04. Review status: criteria provided, single submitter. Criteria: ACMG Guidelines, 2015. Collection method: clinical testing. Allele origin: germline.

Department of Pathology and Laboratory Medicine, Sinai Health System
Classification: Benign for Familial colorectal cancer type X. Last evaluated: 2022-01-18. Review status: criteria provided, single submitter. Criteria: ACMG Guidelines, 2015. Collection method: clinical testing. Allele origin: germline. Affected: yes.

Ambry Genetics
Classification: Benign. Last evaluated: 2020-07-30. Review status: criteria provided, single submitter. Criteria: Ambry Variant Classification Scheme 2023. Collection method: clinical testing. Allele origin: germline.

GeneDx
Classification: Benign. Last evaluated: 2019-06-15. Review status: criteria provided, single submitter. Criteria: GeneDx Variant Classification Process June 2021. Collection method: clinical testing. Allele origin: germline. Affected: yes.

Breakthrough Genomics
Classification: Benign. Review status: criteria provided, single submitter. Criteria: ACMG Guidelines, 2015. Collection method: not provided. Allele origin: germline. Inheritance: Unknown mechanism. Affected: yes.

NM_001146227.3(RPS20):c.343T>C (p.Ser115Pro)

Gene: RPS20 (ribosomal protein S20; minus strand). Cytogenetic location: 8q12.1.
Variant type: single nucleotide variant.
Coding change: c.343T>C on transcript NM_001146227.3; coding-DNA position 343, T replaced by C.
Protein change: p.Ser115Pro; replaces serine 115 with proline.
Molecular consequence: missense variant.
Genome position (GRCh38, 1-based): chr8:56,069,824, A>G on the plus strand (T>C on the coding strand, the complement: RPS20 is on the minus strand). VCF-style: chr8-56069824-A-G. GRCh37 (hg19) VCF-style: chr8-56982383-A-G.
Other names: short protein forms S115P.
Identifiers: ClinVar variation 1232012 (VCV001232012.15), dbSNP rs79444047, ClinGen allele CA4754292.
Genomic context (GRCh38, chr8:56,069,824, plus strand): 5'-CGAATACACTTCTCAAAGTGTACTGCTGGCCCTCTGTATCCATGGGTTCTGCATCTGTAG[A>G]TTCGATCAACTGTAGATCAAAAGTATTCAGAAAAAAAATTGTCTCTACTGCACATGTATA-3'